The following is an entry in ClinVar:

NM_001283009.2(RTEL1):c.2987C>A (p.Pro996His)

Genes: RTEL1 (regulator of telomere elongation helicase 1; plus strand), RTEL1-TNFRSF6B (RTEL1-TNFRSF6B readthrough (NMD candidate); plus strand). Cytogenetic location: 20q13.33.
Variant type: single nucleotide variant.
Coding change: c.2987C>A on transcript NM_001283009.2 (MANE Select); coding-DNA position 2987, C replaced by A.
Protein change: p.Pro996His; replaces proline 996 with histidine.
Molecular consequence: missense variant. On other transcripts: non-coding transcript variant (1).
Genome position (GRCh38, 1-based): chr20:63,693,278, C>A. VCF-style: chr20-63693278-C-A. GRCh37 (hg19) VCF-style: chr20-62324631-C-A.
Other names: c.2318C>A, p.Pro773His (NM_001283010.1); c.2987C>A, p.Pro996His (NM_016434.4); c.3059C>A, p.Pro1020His (NM_032957.5); short protein forms P1020H, P996H, P773H.
Identifiers: ClinVar variation 436594 (VCV000436594.26), dbSNP rs373210484, ClinGen allele CA9965693.

ClinVar aggregate classification (germline): Conflicting classifications of pathogenicity. Review status: criteria provided, conflicting classifications (1 of 4 stars). 9 submissions from 9 submitters: Uncertain significance (5); Likely benign (2). 2 of the submissions do not count toward it. Last evaluated 2026-02-02.

Conditions:
RTEL1-related disorder. Also called: RTEL1-related condition; RTEL1-related disorders.
Dyskeratosis congenita. Identifiers: Orphanet 1775, MedGen C0265965, MONDO:0015780.
Pulmonary fibrosis and/or bone marrow failure, Telomere-related, 3. Also called: PULMONARY FIBROSIS AND/OR BONE MARROW FAILURE SYNDROME, TELOMERE-RELATED, 3. Identifiers: Orphanet 2032, MedGen C4225346, MONDO:0014613, OMIM 616373.
Dyskeratosis congenita, autosomal recessive 5 (DKCB5). Identifiers: MedGen C3554656, MONDO:0014076, OMIM 615190.
Inborn genetic diseases. Identifiers: MedGen C0950123, MeSH D030342.

Allele frequency attached by ClinVar (database versions not stated): gnomAD 0.00011 and 0.00015; ExAC 0.00014; TOPMed 0.00019.
gnomAD v4.1: 186 of 1,611,674 alleles (0.012%); highest among the groups gnomAD compares: East Asian, 0.19%; 2 homozygotes.

Submissions (9):

Labcorp Genetics (formerly Invitae), Labcorp
Classification: Likely benign for Dyskeratosis congenita, autosomal recessive 5; Pulmonary fibrosis and/or bone marrow failure, Telomere-related, 3. Last evaluated: 2026-02-02. Review status: criteria provided, single submitter. Criteria: Invitae Variant Classification Sherloc (09022015). Collection method: clinical testing. Allele origin: germline.

Ambry Genetics
Classification: Likely benign for Inborn genetic diseases. Last evaluated: 2025-10-28. Review status: criteria provided, single submitter. Criteria: Ambry Variant Classification Scheme 2023. Collection method: clinical testing. Allele origin: germline.

Blueprint Genetics
Classification: Uncertain significance. Last evaluated: 2024-10-28. Review status: criteria provided, single submitter. Criteria: ACMG Guidelines, 2015. Collection method: clinical testing. Allele origin: germline.

Department of Pathology and Laboratory Medicine, Sinai Health System
Classification: Uncertain significance for Dyskeratosis congenita, autosomal recessive 5; Pulmonary fibrosis and/or bone marrow failure, Telomere-related, 3. Last evaluated: 2022-05-24. Review status: criteria provided, single submitter. Criteria: ACMG Guidelines, 2015. Collection method: research. Allele origin: germline.

Sema4
Classification: Uncertain significance for Dyskeratosis congenita. Last evaluated: 2021-08-25. Review status: criteria provided, single submitter. Criteria: Sema4 Curation Guidelines. Collection method: curation. Allele origin: germline.
Comment: The RTEL1 c.2987C>A (p.P996H) variant has been reported in heterozygosity in at least one individual with myelodysplastic syndrome (PMID: 29344583). It was observed in 54/19926 chromosomes of the East Asian subpopulation, with no homozygotes, in the large and broad cohorts of the Genome Aggregation Database (PMID: 32461654). The variant has been reported in ClinVar (Variation ID 436594). Functional studies have not been performed, and in silico predictions of the variant's effect on protein function are inconclusive. The evidence is insufficient to meet ACMG/AMP criteria for classifying the variant as benign or pathogenic. Thus, the clinical significance of this variant is currently uncertain.

Fulgent Genetics
Classification: Uncertain significance for Dyskeratosis congenita, autosomal recessive 5; Pulmonary fibrosis and/or bone marrow failure, Telomere-related, 3. Last evaluated: 2018-10-31. Review status: criteria provided, single submitter. Criteria: ACMG Guidelines, 2015. Collection method: clinical testing. Allele origin: unknown.

Genetic Services Laboratory, University of Chicago
Classification: Uncertain significance. Last evaluated: 2016-05-27. Review status: criteria provided, single submitter. Criteria: ACMG Guidelines, 2015. Collection method: clinical testing. Allele origin: germline. Affected: no.

PreventionGenetics, part of Exact Sciences
Classification: Likely benign for RTEL1-related condition. Last evaluated: 2023-07-25. Review status: no assertion criteria provided. Collection method: clinical testing. Allele origin: germline. Not counted in ClinVar's aggregate classification.
Comment: This variant is classified as likely benign based on ACMG/AMP sequence variant interpretation guidelines (Richards et al. 2015 PMID: 25741868, with internal and published modifications).

Natera, Inc.
Classification: Likely benign for Dyskeratosis congenita. Last evaluated: 2019-12-26. Review status: no assertion criteria provided. Collection method: clinical testing. Allele origin: germline. Not counted in ClinVar's aggregate classification.

Literature cited by the submitters: PubMed 29344583 (cited by Sema4).